The following is an entry in ClinVar:

NM_001347721.2(DYRK1A):c.1476del (p.Gln492fs)

Gene: DYRK1A (dual specificity tyrosine phosphorylation regulated kinase 1A; plus strand). Cytogenetic location: 21q22.13.
Variant type: Deletion.
Coding change: c.1476del on transcript NM_001347721.2 (MANE Select); coding-DNA position 1476, one base deleted (G; older notation c.1476delG).
Protein change: p.Gln492fs; shifts the reading frame from glutamine 492.
Molecular consequence: frameshift variant.
Genome position (GRCh38, 1-based): chr21:37,505,546, G deleted. VCF-style (leftmost placement, unchanged base first): chr21-37505545-AG-A. GRCh37 (hg19) VCF-style: chr21-38877848-AG-A.
Other names: c.1476del, p.Gln492fs (NM_001347722.2, NM_130436.2); c.1389del, p.Gln463fs (NM_001347723.2); c.1503del, p.Gln501fs (NM_001396.5, NM_101395.2, NM_130438.2); short protein forms Q463fs, Q501fs, Q492fs.
Identifiers: ClinVar variation 2007422 (VCV002007422.4), dbSNP rs2518074711, ClinGen allele CA2580098705.

ClinVar aggregate classification (germline): Pathogenic (1 of 4 stars; one submission).

Conditions:
DYRK1A-related intellectual disability syndrome (MRD7). Also called: DYRK1A Syndrome; Intellectual developmental disorder, autosomal dominant 7. Identifiers: Orphanet 464306, MedGen C5568143, MONDO:0013578, OMIM 614104.

Submission:

Labcorp Genetics (formerly Invitae), Labcorp
Classification: Pathogenic for DYRK1A-related intellectual disability syndrome. Last evaluated: 2022-06-16. Review status: criteria provided, single submitter. Criteria: Invitae Variant Classification Sherloc (09022015). Collection method: clinical testing. Allele origin: germline.
Comment: For these reasons, this variant has been classified as Pathogenic. This variant disrupts a region of the DYRK1A protein in which other variant(s) (p.Gln576*) have been determined to be pathogenic (Invitae). This suggests that this is a clinically significant region of the protein, and that variants that disrupt it are likely to be disease-causing. This variant has not been reported in the literature in individuals affected with DYRK1A-related conditions. This variant is not present in population databases (gnomAD no frequency). This sequence change creates a premature translational stop signal (p.Gln501Hisfs*91) in the DYRK1A gene. While this is not anticipated to result in nonsense mediated decay, it is expected to disrupt the last 263 amino acid(s) of the DYRK1A protein.